The following is an entry in ClinVar:

ClinVar aggregate classification (germline): Uncertain significance (1 of 4 stars; one submission).

Submission:

GeneDx
Classification: Uncertain significance. Last evaluated: 2023-05-02. Review status: criteria provided, single submitter. Criteria: GeneDx Variant Classification Process June 2021. Collection method: clinical testing. Allele origin: germline. Affected: yes.
Comment: Not observed at significant frequency in large population cohorts (gnomAD); In silico analysis supports that this missense variant has a deleterious effect on protein structure/function; Has not been previously published as pathogenic or benign to our knowledge

NM_001161352.2(KCNMA1):c.3313C>G (p.Leu1105Val)

Genes: KCNMA1 (potassium calcium-activated channel subfamily M alpha 1; minus strand), KCNMA1-AS1 (KCNMA1 antisense RNA 1; plus strand). Cytogenetic location: 10q22.3.
Variant type: single nucleotide variant.
Coding change: c.3313C>G on transcript NM_001161352.2 (MANE Select); coding-DNA position 3313, C replaced by G.
Protein change: p.Leu1105Val; replaces leucine 1105 with valine.
Molecular consequence: missense variant.
Genome position (GRCh38, 1-based): chr10:76,891,554, G>C on the plus strand (C>G on the coding strand, the complement: KCNMA1 is on the minus strand). VCF-style: chr10-76891554-G-C. GRCh37 (hg19) VCF-style: chr10-78651312-G-C.
Other names: c.3151C>G, p.Leu1051Val (NM_001014797.3); c.3262C>G, p.Leu1088Val (NM_001161353.2); c.2989C>G, p.Leu997Val (NM_001271518.2); c.3229C>G, p.Leu1077Val (NM_001271519.2); c.3148C>G, p.Leu1050Val (NM_001322829.2, NM_001322836.2); c.3241C>G, p.Leu1081Val (NM_001322830.2); c.3139C>G, p.Leu1047Val (NM_001322832.2, NM_001410940.1, NM_002247.4); c.3232C>G, p.Leu1078Val (NM_001322835.2, NM_001322837.2); and 1 more; short protein forms L1047V, L1050V, L1051V, L1077V, L1078V, L1081V, L1088V, L1105V.
Identifiers: ClinVar variation 3343229 (VCV003343229.1).
Genomic context (GRCh38, chr10:76,891,554, plus strand): 5'-AGCTCAGGTGACCTCGGTGCTGTGGACTCACCCCTAAGTCCGCAAATGGCCCATCGAGCA[G>C]AGCTAACTGGGCCACGCGGCAGCGGTCCCTATTGGCCAGTGTCTGCGGGGTGCTGTAGCC-3'
Protein context (NP_001154824.1, residues 1095-1115): RDRCRVAQLA[Leu1105Val]LDGPFADLGD